The following is an entry in ClinVar:

NM_003483.6(HMGA2):c.111+6T>A

Gene: HMGA2 (high mobility group AT-hook 2; plus strand). Cytogenetic location: 12q14.3.
Variant type: single nucleotide variant.
Coding change: c.111+6T>A on transcript NM_003483.6 (MANE Select); 6 bases into the intron after coding-DNA position 111, T replaced by A.
Molecular consequence: intron variant.
Genome position (GRCh38, 1-based): chr12:65,825,387, T>A. VCF-style: chr12-65825387-T-A. GRCh37 (hg19) VCF-style: chr12-66219167-T-A.
Other names: c.111+6T>A (NM_001300918.1, NM_001300919.1, NM_003484.1 and 1 more transcripts).
Identifiers: ClinVar variation 2444041 (VCV002444041.1), dbSNP rs2498929974, ClinGen allele CA2580086652.

ClinVar aggregate classification (germline): Uncertain significance (1 of 4 stars; one submission).

Conditions:
Silver-Russell syndrome 5 (SRS5). Identifiers: MedGen C5394456, MONDO:0020795, OMIM 618908.

Allele frequency attached by ClinVar (database versions not stated): gnomAD exomes below 0.00001.
gnomAD v4.1: 1 of 1,514,810 alleles (0.000066%); highest among the groups gnomAD compares: Non-Finnish European, 0.000088%; no homozygotes.

Submission:

3billion
Classification: Uncertain significance for Silver-Russell syndrome 5. Last evaluated: 2023-02-23. Review status: criteria provided, single submitter. Criteria: ACMG Guidelines, 2015. Collection method: clinical testing. Allele origin: unknown. Affected: yes.
Comment: The variant is not observed in the gnomAD v2.1.1 dataset. The variant is an intron variant. In silico tools predict the variant to alter splicing and produce an abnormal transcript (SpliceAI: 0.61). Therefore, this variant is classified as VUS according to the recommendation of ACMG/AMP guideline.